The following is an entry in ClinVar:

ClinVar aggregate classification (germline): Likely benign (1 of 4 stars; one submission).

Submission:

Laboratory for Molecular Medicine, Mass General Brigham Personalized Medicine
Classification: Likely benign. Last evaluated: 2016-02-15. Review status: criteria provided, single submitter. Criteria: LMM Criteria. Collection method: clinical testing. Allele origin: germline. Observed: 1 variant allele.
Comment: p.Leu2244Leu in exon 45 of NF1: This variant is not expected to have clinical si gnificance because it does not alter an amino acid residue and is not located wi thin the splice consensus sequence.

NM_001042492.3(NF1):c.6732G>A (p.Leu2244=)

Gene: NF1 (neurofibromin 1; plus strand). Cytogenetic location: 17q11.2.
Variant type: single nucleotide variant.
Coding change: c.6732G>A on transcript NM_001042492.3 (MANE Select); coding-DNA position 6732, G replaced by A.
Protein change: p.Leu2244=; no amino-acid change (leucine 2244 retained).
Molecular consequence: synonymous variant.
Genome position (GRCh38, 1-based): chr17:31,338,052, G>A. VCF-style: chr17-31338052-G-A. GRCh37 (hg19) VCF-style: chr17-29665070-G-A.
Other names: c.6669G>A, p.Leu2223= (NM_000267.4).
Identifiers: ClinVar variation 227746 (VCV000227746.5), dbSNP rs876657548, ClinGen allele CA10577037.
Genomic context (GRCh38, chr17:31,338,052, plus strand): 5'-TTTTTATAAGTTCTGTGGATCTTTTAATTGCAGATTTGCATTCCAATATAATCCATCCCT[G>A]CAACCAAGAGCTCTTGTTGTCTTTGGGTGTATTAGCAAACGAGTGTCTCATGGGCAGATA-3'
Protein context (NP_001035957.1, residues 2234-2254): QRFAFQYNPS[Leu2244=]QPRALVVFGC